The following is an entry in ClinVar:

ClinVar aggregate classification (germline): Uncertain significance (1 of 4 stars; one submission).

Submission:

Labcorp Genetics (formerly Invitae), Labcorp
Classification: Uncertain significance. Last evaluated: 2023-07-29. Review status: criteria provided, single submitter. Criteria: Invitae Variant Classification Sherloc (09022015). Collection method: clinical testing. Allele origin: germline.
Comment: This sequence change replaces arginine, which is basic and polar, with proline, which is neutral and non-polar, at codon 1597 of the TOP2B protein (p.Arg1597Pro). In summary, the available evidence is currently insufficient to determine the role of this variant in disease. Therefore, it has been classified as a Variant of Uncertain Significance. An algorithm developed to predict the effect of missense changes on protein structure and function (PolyPhen-2) suggests that this variant is likely to be disruptive. This variant has not been reported in the literature in individuals affected with TOP2B-related conditions. This variant is not present in population databases (gnomAD no frequency).

NM_001330700.2(TOP2B):c.4805G>C (p.Arg1602Pro)

Gene: TOP2B (DNA topoisomerase II beta; minus strand). Cytogenetic location: 3p24.2.
Variant type: single nucleotide variant.
Coding change: c.4805G>C on transcript NM_001330700.2 (MANE Select); coding-DNA position 4805, G replaced by C.
Protein change: p.Arg1602Pro; replaces arginine 1602 with proline.
Molecular consequence: missense variant.
Genome position (GRCh38, 1-based): chr3:25,598,383, C>G on the plus strand (G>C on the coding strand, the complement: TOP2B is on the minus strand). VCF-style: chr3-25598383-C-G. GRCh37 (hg19) VCF-style: chr3-25639874-C-G.
Other names: c.4790G>C, p.Arg1597Pro (NM_001068.3); short protein forms R1602P, R1597P.
Identifiers: ClinVar variation 2748359 (VCV002748359.3), dbSNP rs1449475384, ClinGen allele CA351890014.